The following is an entry in ClinVar:

ClinVar aggregate classification (germline): Uncertain significance (1 of 4 stars; one submission).

Submission:

Women's Health and Genetics/Laboratory Corporation of America, LabCorp
Classification: Uncertain significance. Last evaluated: 2023-12-13. Review status: criteria provided, single submitter. Criteria: LabCorp Variant Classification Summary - May 2015. Collection method: clinical testing. Allele origin: germline.
Comment: Variant summary: The variant involves the deletion of exon 15 in the MEGF10 gene. A presumed nomenclature of c.(1693+1_1694-1)_(1840+1_1841-1)del has been designated for the purposes of this classification. This Copy Number Variant (CNV) is predicted to result in an in-frame deletion within this gene. The variant was absent in 21694 control chromosomes (gnomAD, Structural variants dataset). The available data on variant occurrences in the general population are insufficient to allow any conclusion about variant significance. To our knowledge, no occurrence of c.(1693+1_1694-1)_(1840+1_1841-1)del in individuals affected with MEGF10-Related Myopathy and no experimental evidence demonstrating its impact on protein function have been reported. No submitters have cited clinical-significance assessments for this variant to ClinVar after 2014. Based on the evidence outlined above, the variant was classified as uncertain significance.

NC_000005.9:g.(126758465_126769054)_(126769202_126770378)del

Gene: MEGF10 (multiple EGF like domains 10; plus strand). Cytogenetic location: 5q23.2.
Variant type: Deletion.
Identifiers: ClinVar variation 2691680 (VCV002691680.1).